The following is an entry in ClinVar:

NM_201384.3(PLEC):c.3532C>T (p.Arg1178Trp)

Gene: PLEC (plectin; minus strand). Cytogenetic location: 8q24.3.
Variant type: single nucleotide variant.
Coding change: c.3532C>T on transcript NM_201384.3 (MANE Select); coding-DNA position 3532, C replaced by T.
Protein change: p.Arg1178Trp; replaces arginine 1178 with tryptophan.
Molecular consequence: missense variant.
Genome position (GRCh38, 1-based): chr8:143,927,634, G>A on the plus strand (C>T on the coding strand, the complement: PLEC is on the minus strand). VCF-style: chr8-143927634-G-A. GRCh37 (hg19) VCF-style: chr8-145001802-G-A.
Other names: c.3613C>T, p.Arg1205Trp (NM_000445.5); c.3490C>T, p.Arg1164Trp (NM_201378.4); c.3466C>T, p.Arg1156Trp (NM_201379.3); c.3943C>T, p.Arg1315Trp (NM_201380.4); c.3436C>T, p.Arg1146Trp (NM_201381.3); c.3532C>T, p.Arg1178Trp (NM_201382.4); c.3544C>T, p.Arg1182Trp (NM_201383.3); short protein forms R1178W, R1182W, R1205W, R1315W, R1146W, R1156W, R1164W.
Identifiers: ClinVar variation 952430 (VCV000952430.6), dbSNP rs782291539, ClinGen allele CA4927031.

ClinVar aggregate classification (germline): Uncertain significance (1 of 4 stars; one submission).

Conditions:
Epidermolysis bullosa simplex 5C, with pyloric atresia (EBS5C). Also called: PLEC-Related Epidermolysis Bullosa with Pyloric Atresia; Epidermolysis bullosa simplex with pyloric atresia; PLEC1-Related Epidermolysis Bullosa with Pyloric Atresia. Identifiers: Orphanet 158684, MedGen C2677349, MONDO:0012807, OMIM 612138.
Epidermolysis bullosa simplex 5B, with muscular dystrophy (EBS5B). Also called: Epidermolysis bullosa simplex with muscular dystrophy; EPIDERMOLYSIS BULLOSA SIMPLEX AND LIMB-GIRDLE MUSCULAR DYSTROPHY. Identifiers: Orphanet 257, MedGen C2931072, MONDO:0009181, OMIM 226670.
Epidermolysis bullosa simplex, Ogna type (EBS5A). Also called: Pidermolysis bullosa simplex 5A, Ogna type; EPIDERMOLYSIS BULLOSA SIMPLEX 5A, OGNA TYPE. Identifiers: Orphanet 79401, MedGen C0432317, MONDO:0007555, OMIM 131950.
Autosomal recessive limb-girdle muscular dystrophy type 2Q (LGMDR17). Also called: MUSCULAR DYSTROPHY, LIMB-GIRDLE, AUTOSOMAL RECESSIVE 17. Identifiers: Orphanet 254361, MedGen C3150989, MONDO:0013390, OMIM 613723.
Epidermolysis bullosa simplex with nail dystrophy (EBS5D). Identifiers: MedGen C4225309, MONDO:0014661, OMIM 616487.

Allele frequency attached by ClinVar (database versions not stated): TOPMed below 0.00001; gnomAD 0.00001; gnomAD exomes 0.00002 and 0.00005; ExAC 0.00007.
gnomAD v4.1: 36 of 1,586,210 alleles (0.0023%); highest among the groups gnomAD compares: South Asian, 0.009%; no homozygotes.

Submission:

Labcorp Genetics (formerly Invitae), Labcorp
Classification: Uncertain significance for Autosomal recessive limb-girdle muscular dystrophy type 2Q; Epidermolysis bullosa simplex, Ogna type; Epidermolysis bullosa simplex with nail dystrophy; Epidermolysis bullosa simplex 5C, with pyloric atresia; Epidermolysis bullosa simplex 5B, with muscular dystrophy. Last evaluated: 2021-02-22. Review status: criteria provided, single submitter. Criteria: Invitae Variant Classification Sherloc (09022015). Collection method: clinical testing. Allele origin: germline.
Comment: This sequence change replaces arginine with tryptophan at codon 1205 of the PLEC protein (p.Arg1205Trp). The arginine residue is highly conserved and there is a moderate physicochemical difference between arginine and tryptophan. In summary, the available evidence is currently insufficient to determine the role of this variant in disease. Therefore, it has been classified as a Variant of Uncertain Significance. Algorithms developed to predict the effect of sequence changes on RNA splicing suggest that this variant may create or strengthen a splice site, but this prediction has not been confirmed by published transcriptional studies. This variant has not been reported in the literature in individuals with PLEC-related conditions. This variant is present in population databases (rs782291539, ExAC 0.03%).